The following is an entry in ClinVar:

ClinVar aggregate classification (germline): Benign/Likely benign. Review status: criteria provided, multiple submitters, no conflicts (2 of 4 stars). 3 submissions from 3 submitters: Benign (1); Likely benign (2). Last evaluated 2026-07-08.

Conditions:
Hereditary cancer-predisposing syndrome. Also called: Hereditary Cancer Syndrome; Tumor predisposition; Hereditary neoplastic syndrome; Neoplastic Syndromes, Hereditary. Identifiers: Orphanet 140162, MedGen C0027672, MeSH D009386, MONDO:0015356.
Rhabdoid tumor predisposition syndrome 2 (RTPS2). Identifiers: Orphanet 231108, Orphanet 69077, MedGen C2750074, MONDO:0013224, OMIM 613325.

Allele frequency attached by ClinVar (database versions not stated): ExAC 0.00001; TOPMed 0.00002; gnomAD 0.00001; ESP Exome Variant Server 0.00008.
gnomAD v4.1: 13 of 1,613,340 alleles (0.00081%); highest among the groups gnomAD compares: Non-Finnish European, 0.0011%; no homozygotes.

Submissions (3):

Myriad Genetics, Inc.
Classification: Benign for Rhabdoid tumor predisposition syndrome 2. Last evaluated: 2026-07-08. Review status: criteria provided, single submitter. Criteria: Myriad Autosomal Dominant, Autosomal Recessive and X-Linked Classification Criteria (2023). Collection method: clinical testing. Allele origin: unknown.
Comment: This variant is considered benign. This variant is a silent/synonymous amino acid change and it is not expected to impact splicing.

Labcorp Genetics (formerly Invitae), Labcorp
Classification: Likely benign for Rhabdoid tumor predisposition syndrome 2. Last evaluated: 2025-12-22. Review status: criteria provided, single submitter. Criteria: Invitae Variant Classification Sherloc (09022015). Collection method: clinical testing. Allele origin: germline.

Ambry Genetics
Classification: Likely benign for Hereditary cancer-predisposing syndrome. Last evaluated: 2015-07-08. Review status: criteria provided, single submitter. Criteria: Ambry Variant Classification Scheme 2023. Collection method: clinical testing. Allele origin: germline.

NM_003072.5(SMARCA4):c.27C>T (p.Gly9=)

Gene: SMARCA4 (SWI/SNF related BAF chromatin remodeling complex subunit ATPase 4; plus strand). Cytogenetic location: 19p13.2.
Variant type: single nucleotide variant.
Coding change: c.27C>T on transcript NM_003072.5 (MANE Select); coding-DNA position 27, C replaced by T.
Protein change: p.Gly9=; no amino-acid change (glycine 9 retained).
Molecular consequence: synonymous variant. On other transcripts: non-coding transcript variant (1).
Genome position (GRCh38, 1-based): chr19:10,984,178, C>T. VCF-style: chr19-10984178-C-T. GRCh37 (hg19) VCF-style: chr19-11094854-C-T.
Other names: c.27C>T, p.Gly9= (NM_001128844.3, NM_001128845.2, NM_001128846.2 and 5 more transcripts).
Identifiers: ClinVar variation 238415 (VCV000238415.17), dbSNP rs372102929, ClinGen allele CA9203383.